The following is an entry in ClinVar:

ClinVar aggregate classification (germline): Uncertain significance. Review status: criteria provided, multiple submitters, no conflicts (2 of 4 stars). 3 submissions from 3 submitters: Uncertain significance (3). Last evaluated 2023-12-04.

Conditions:
Familial adenomatous polyposis 1 (FAP1). Also called: FAMILIAL ADENOMATOUS POLYPOSIS 1, ATTENUATED; POLYPOSIS, ADENOMATOUS INTESTINAL. Identifiers: MedGen C2713442, MONDO:0021056, OMIM 175100. Disease mechanism: loss of function.
Hereditary cancer-predisposing syndrome. Also called: Tumor predisposition; Hereditary Cancer Syndrome; Hereditary neoplastic syndrome; Neoplastic Syndromes, Hereditary. Identifiers: Orphanet 140162, MedGen C0027672, MeSH D009386, MONDO:0015356.

Allele frequency attached by ClinVar (database versions not stated): gnomAD exomes below 0.00001.
gnomAD v4.1: 1 of 1,613,822 alleles (0.000062%); highest among the groups gnomAD compares: Non-Finnish European, 0.000085%; no homozygotes.

Submissions (3):

Color Diagnostics, LLC DBA Color Health
Classification: Uncertain significance for Hereditary cancer-predisposing syndrome. Last evaluated: 2023-12-04. Review status: criteria provided, single submitter. Criteria: ACMG Guidelines, 2015. Collection method: clinical testing. Allele origin: germline.
Comment: This missense variant replaces serine with glycine at codon 1973 of the APC protein. Computational prediction is inconclusive regarding the impact of this variant on protein structure and function (internally defined REVEL score threshold 0.5 < inconclusive < 0.7, PMID: 27666373). To our knowledge, functional studies have not been reported for this variant. This variant has not been reported in individuals affected with APC-related disorders in the literature. This variant has not been identified in the general population by the Genome Aggregation Database (gnomAD). The available evidence is insufficient to determine the role of this variant in disease conclusively. Therefore, this variant is classified as a Variant of Uncertain Significance.

Labcorp Genetics (formerly Invitae), Labcorp
Classification: Uncertain significance for Familial adenomatous polyposis 1. Last evaluated: 2021-12-24. Review status: criteria provided, single submitter. Criteria: Invitae Variant Classification Sherloc (09022015). Collection method: clinical testing. Allele origin: germline.
Comment: This variant has not been reported in the literature in individuals affected with APC-related conditions. This variant is not present in population databases (gnomAD no frequency). This sequence change replaces serine, which is neutral and polar, with glycine, which is neutral and non-polar, at codon 1973 of the APC protein (p.Ser1973Gly). ClinVar contains an entry for this variant (Variation ID: 411528). In summary, the available evidence is currently insufficient to determine the role of this variant in disease. Therefore, it has been classified as a Variant of Uncertain Significance. Algorithms developed to predict the effect of missense changes on protein structure and function (SIFT, PolyPhen-2, Align-GVGD) all suggest that this variant is likely to be disruptive.

Ambry Genetics
Classification: Uncertain significance for Hereditary cancer-predisposing syndrome. Last evaluated: 2021-04-26. Review status: criteria provided, single submitter. Criteria: Ambry Variant Classification Scheme 2023. Collection method: clinical testing. Allele origin: germline.
Comment: The p.S1973G variant (also known as c.5917A>G), located in coding exon 15 of the APC gene, results from an A to G substitution at nucleotide position 5917. The serine at codon 1973 is replaced by glycine, an amino acid with similar properties. This amino acid position is highly conserved in available vertebrate species. In addition, in silico predictors for this gene do not accurately predict pathogenicity. Since supporting evidence is limited at this time, the clinical significance of this alteration remains unclear.

NM_000038.6(APC):c.5917A>G (p.Ser1973Gly)

Gene: APC (APC regulator of Wnt signaling pathway; plus strand). Cytogenetic location: 5q22.2.
Variant type: single nucleotide variant.
Coding change: c.5917A>G on transcript NM_000038.6 (MANE Select); coding-DNA position 5917, A replaced by G.
Protein change: p.Ser1973Gly; replaces serine 1973 with glycine.
Molecular consequence: missense variant.
Genome position (GRCh38, 1-based): chr5:112,841,511, A>G. VCF-style: chr5-112841511-A-G. GRCh37 (hg19) VCF-style: chr5-112177208-A-G.
Other names: c.5917A>G, p.Ser1973Gly (NM_001127510.3, NM_001354895.2); c.5863A>G, p.Ser1955Gly (NM_001127511.3); c.5971A>G, p.Ser1991Gly (NM_001354896.2); c.5947A>G, p.Ser1983Gly (NM_001354897.2); c.5842A>G, p.Ser1948Gly (NM_001354898.2); c.5833A>G, p.Ser1945Gly (NM_001354899.2); c.5794A>G, p.Ser1932Gly (NM_001354900.2); c.5740A>G, p.Ser1914Gly (NM_001354901.2); and 5 more; short protein forms S1973G, S1955G, S1690G, S1872G, S1914G, S1991G, S1847G, S1813G.
Identifiers: ClinVar variation 411528 (VCV000411528.16), dbSNP rs1060503354, ClinGen allele CA16034274.
Genomic context (GRCh38, chr5:112,841,511, plus strand): 5'-AATTTTGCTATTGAAAATACTCCGGTTTGCTTTTCTCATAATTCCTCTCTGAGTTCTCTC[A>G]GTGACATTGACCAAGAAAACAACAATAAAGAAAATGAACCTATCAAAGAGACTGAGCCCC-3'
Protein context (NP_000029.2, residues 1963-1983): FSHNSSLSSL[Ser1973Gly]DIDQENNNKE